The following is an entry in ClinVar:

NM_001080517.3(SETD5):c.314A>C (p.Asn105Thr)

Gene: SETD5 (SET domain containing 5; plus strand). Cytogenetic location: 3p25.3.
Variant type: single nucleotide variant.
Coding change: c.314A>C on transcript NM_001080517.3 (MANE Select); coding-DNA position 314, A replaced by C.
Protein change: p.Asn105Thr; replaces asparagine 105 with threonine.
Molecular consequence: missense variant. On other transcripts: 5 prime UTR variant (2).
Genome position (GRCh38, 1-based): chr3:9,434,470, A>C. VCF-style: chr3-9434470-A-C. GRCh37 (hg19) VCF-style: chr3-9476154-A-C.
Other names: c.-20A>C (NM_001292043.2); c.-61A>C (NM_001349451.2); short protein forms N105T.
Identifiers: ClinVar variation 3631969 (VCV003631969.2).

ClinVar aggregate classification (germline): Uncertain significance (1 of 4 stars; one submission).

gnomAD v4.1: 22 of 1,613,980 alleles (0.0014%); highest among the groups gnomAD compares: Middle Eastern, 0.016%; no homozygotes.

Submission:

Labcorp Genetics (formerly Invitae), Labcorp
Classification: Uncertain significance. Last evaluated: 2024-10-21. Review status: criteria provided, single submitter. Criteria: Invitae Variant Classification Sherloc (09022015). Collection method: clinical testing. Allele origin: germline.
Comment: This sequence change replaces asparagine, which is neutral and polar, with threonine, which is neutral and polar, at codon 105 of the SETD5 protein (p.Asn105Thr). This variant is present in population databases (rs185408508, gnomAD 0.005%). This variant has not been reported in the literature in individuals affected with SETD5-related conditions. Invitae Evidence Modeling of protein sequence and biophysical properties (such as structural, functional, and spatial information, amino acid conservation, physicochemical variation, residue mobility, and thermodynamic stability) indicates that this missense variant is not expected to disrupt SETD5 protein function with a negative predictive value of 80%. In summary, the available evidence is currently insufficient to determine the role of this variant in disease. Therefore, it has been classified as a Variant of Uncertain Significance.